The following is an entry in ClinVar:

ClinVar aggregate classification (germline): Uncertain significance (1 of 4 stars; one submission).

Submission:

GeneDx
Classification: Uncertain significance. Last evaluated: 2026-03-09. Review status: criteria provided, single submitter. Criteria: GeneDx Variant Classification Process June 2021. Collection method: clinical testing. Allele origin: germline.
Comment: Not observed at significant frequency in large population cohorts (gnomAD); In silico analysis supports that this missense variant does not alter protein structure/function; Has not been previously published as pathogenic or benign to our knowledge.

NM_001042681.2(RERE):c.2369C>G (p.Ala790Gly)

Gene: RERE (arginine-glutamic acid dipeptide repeats; minus strand). Cytogenetic location: 1p36.23.
Variant type: single nucleotide variant.
Coding change: c.2369C>G on transcript NM_001042681.2 (MANE Select); coding-DNA position 2369, C replaced by G.
Protein change: p.Ala790Gly; replaces alanine 790 with glycine.
Molecular consequence: missense variant.
Genome position (GRCh38, 1-based): chr1:8,361,138, G>C on the plus strand (C>G on the coding strand, the complement: RERE is on the minus strand). VCF-style: chr1-8361138-G-C. GRCh37 (hg19) VCF-style: chr1-8421198-G-C.
Other names: c.707C>G, p.Ala236Gly (NM_001042682.2); c.2369C>G, p.Ala790Gly (NM_012102.4); short protein forms A236G, A790G.
Identifiers: ClinVar variation 3360620 (VCV003360620.2).
Genomic context (GRCh38, chr1:8,361,138, plus strand): 5'-CGCTGGGGGTGCAAGGCCGGTGCCTGTTGGATGTGGGTGTGGGGAACAGGCGCTGTGGGA[G>C]CCTGTGGCTGGTTAGGGGCCTGGGAGGCCGTGGGGGAGCCCTGTGGGGGAACTGCAGTGG-3'
Protein context (NP_001036146.1, residues 780-800): TASQAPNQPQ[Ala790Gly]PTAPVPHTHI